The following is an entry in ClinVar:

ClinVar aggregate classification (germline): Uncertain significance (1 of 4 stars; one submission).

Conditions:
Shukla-Vernon syndrome. Identifiers: MedGen C5193146, MONDO:0026727, OMIM 301029.

Submission:

New York Genome Center
Classification: Uncertain significance for Shukla-Vernon syndrome. Last evaluated: 2020-09-23. Review status: criteria provided, single submitter. Criteria: NYGC Assertion Criteria 2020. Collection method: clinical testing. Allele origin: inherited. Observed: 1 hemizygote. Study: CSER-NYCKidSeq.
Comment: This variant is absent from gnomAD(v3.0), suggesting it is not a common benign variant in the populations represented in that database. In silico algorithms do not agree on the effect of this variant, as it is predicted both Damaging (SIFT; score:0.009) and Benign (REVEL; score:0.06) to the function of the canonical transcript. This variant is absent from ClinVar, and to our current knowledge has not been reported in affected individuals in the literature. The p.Pro1134 residue is not within a mapped domain of BCORL1 (UniProtKB:Q5H9F3). Given the lack of compelling evidence for its pathogenicity, the hemizygous maternally inherited c.3401C>A (p.Pro1134Gln) variant identified in the BCORL1 gene is reported as a Variant of Uncertain Significance.

NM_001379451.1(BCORL1):c.3401C>A (p.Pro1134Gln)

Gene: BCORL1 (BCL6 corepressor like 1; plus strand). Cytogenetic location: Xq26.1.
Variant type: single nucleotide variant.
Coding change: c.3401C>A on transcript NM_001379451.1 (MANE Select); coding-DNA position 3401, C replaced by A.
Protein change: p.Pro1134Gln; replaces proline 1134 with glutamine.
Molecular consequence: missense variant.
Genome position (GRCh38, 1-based): chrX:130,016,173, C>A. VCF-style: chrX-130016173-C-A. GRCh37 (hg19) VCF-style: chrX-129150149-C-A.
Other names: c.3401C>A, p.Pro1134Gln (NM_001184772.3, NM_001379450.1, NM_021946.5); short protein forms P1134Q.
Identifiers: ClinVar variation 1213817 (VCV001213817.1), dbSNP rs1929425543, ClinGen allele CA414595040.